The following is an entry in ClinVar:

ClinVar aggregate classification (germline): Conflicting classifications of pathogenicity. Review status: criteria provided, conflicting classifications (1 of 4 stars). 4 submissions from 4 submitters: Uncertain significance (3); Likely benign (1). Last evaluated 2025-02-19.

Conditions:
Charcot-Marie-Tooth disease type 4. Also called: Charcot-Marie-Tooth, Type 4; Charcot-Marie-Tooth disease, type IV. Identifiers: Orphanet 64749, MedGen C4082197, MONDO:0018995.
Inborn genetic diseases. Identifiers: MedGen C0950123, MeSH D030342.

Allele frequency attached by ClinVar (database versions not stated): TOPMed 0.00003; gnomAD 0.00004; gnomAD exomes 0.00005; ESP Exome Variant Server 0.00008.

Submissions (4):

GeneDx
Classification: Uncertain significance. Last evaluated: 2025-02-19. Review status: criteria provided, single submitter. Criteria: GeneDx Variant Classification Process June 2021. Collection method: clinical testing. Allele origin: germline. Affected: yes.
Comment: Reported previously as a variant of uncertain significance in a cohort of patients undergoing testing for Charcot-Marie-Tooth disease; however, no specific clinical or segregation information was provided (PMID: 25614874); In silico analysis indicates that this missense variant does not alter protein structure/function; This variant is associated with the following publications: (PMID: 25614874)

Blueprint Genetics
Classification: Likely benign. Last evaluated: 2024-03-26. Review status: criteria provided, single submitter. Criteria: ACMG Guidelines, 2015. Collection method: clinical testing. Allele origin: germline.

Labcorp Genetics (formerly Invitae), Labcorp
Classification: Uncertain significance for Charcot-Marie-Tooth disease type 4. Last evaluated: 2024-03-11. Review status: criteria provided, single submitter. Criteria: Invitae Variant Classification Sherloc (09022015). Collection method: clinical testing. Allele origin: germline.
Comment: This sequence change replaces valine, which is neutral and non-polar, with methionine, which is neutral and non-polar, at codon 911 of the PRX protein (p.Val911Met). This variant is present in population databases (rs377457671, gnomAD 0.04%), including at least one homozygous and/or hemizygous individual. This variant has not been reported in the literature in individuals affected with PRX-related conditions. ClinVar contains an entry for this variant (Variation ID: 579406). Advanced modeling of protein sequence and biophysical properties (such as structural, functional, and spatial information, amino acid conservation, physicochemical variation, residue mobility, and thermodynamic stability) performed at Invitae indicates that this missense variant is not expected to disrupt PRX protein function with a negative predictive value of 80%. In summary, the available evidence is currently insufficient to determine the role of this variant in disease. Therefore, it has been classified as a Variant of Uncertain Significance.

Ambry Genetics
Classification: Uncertain significance for Inborn genetic diseases. Last evaluated: 2021-02-05. Review status: criteria provided, single submitter. Criteria: Ambry Variant Classification Scheme 2023. Collection method: clinical testing. Allele origin: germline.
Comment: The p.V911M variant (also known as c.2731G>A), located in coding exon 4 of the PRX gene, results from a G to A substitution at nucleotide position 2731. The valine at codon 911 is replaced by methionine, an amino acid with highly similar properties. This amino acid position is not well conserved in available vertebrate species. In addition, this alteration is predicted to be tolerated by in silico analysis. Since supporting evidence is limited at this time, the clinical significance of this alteration remains unclear.

NM_181882.3(PRX):c.2731G>A (p.Val911Met)

Gene: PRX (periaxin; minus strand). Cytogenetic location: 19q13.2.
Variant type: single nucleotide variant.
Coding change: c.2731G>A on transcript NM_181882.3 (MANE Select); coding-DNA position 2731, G replaced by A.
Protein change: p.Val911Met; replaces valine 911 with methionine.
Molecular consequence: missense variant. On other transcripts: 3 prime UTR variant (1).
Genome position (GRCh38, 1-based): chr19:40,395,621, C>T on the plus strand (G>A on the coding strand, the complement: PRX is on the minus strand). VCF-style: chr19-40395621-C-T. GRCh37 (hg19) VCF-style: chr19-40901528-C-T.
Other names: c.*2936G>A (NM_020956.2); short protein forms V911M.
Identifiers: ClinVar variation 579406 (VCV000579406.14), dbSNP rs377457671, ClinGen allele CA9443989.